The following is an entry in ClinVar:

ClinVar aggregate classification (germline): Pathogenic. Review status: criteria provided, multiple submitters, no conflicts (2 of 4 stars). 2 submissions from 2 submitters: Pathogenic (2). Last evaluated 2026-01-29.

Conditions:
Arrhythmogenic cardiomyopathy with wooly hair and keratoderma. Also called: Arrhythmogenic cardiomyopathy with woolly hair and keratoderma; Dilated cardiomyopathy with woolly hair and keratoderma; PALMOPLANTAR KERATODERMA WITH LEFT VENTRICULAR CARDIOMYOPATHY AND WOOLLY HAIR; Carvajal syndrome. Identifiers: Orphanet 65282, MedGen C1854063, MONDO:0011581, OMIM 605676.
Arrhythmogenic right ventricular dysplasia 8 (ARVD8). Also called: Arrhythmogenic Right Ventricular Dysplasia/Cardiomyopathy 8; ARRHYTHMOGENIC RIGHT VENTRICULAR DYSPLASIA, FAMILIAL, 8; ARRHYTHMOGENIC RIGHT VENTRICULAR CARDIOMYOPATHY 8. Identifiers: MedGen C1843896, MONDO:0011831, OMIM 607450.
Cardiovascular phenotype. Identifiers: MedGen CN230736.

Submissions (2):

Labcorp Genetics (formerly Invitae), Labcorp
Classification: Pathogenic for Arrhythmogenic cardiomyopathy with wooly hair and keratoderma; Arrhythmogenic right ventricular dysplasia 8. Last evaluated: 2026-01-29. Review status: criteria provided, single submitter. Criteria: Invitae Variant Classification Sherloc (09022015). Collection method: clinical testing. Allele origin: germline.
Comment: This sequence change creates a premature translational stop signal (p.Glu2403Argfs*27) in the DSP gene. While this is not anticipated to result in nonsense mediated decay, it is expected to disrupt the last 469 amino acid(s) of the DSP protein. This variant is not present in population databases (gnomAD no frequency). This variant has not been reported in the literature in individuals affected with DSP-related conditions. ClinVar contains an entry for this variant (Variation ID: 4245105). This variant disrupts a region of the DSP protein in which other variant(s) (p.Gln2765Alafs*23) have been determined to be pathogenic (PMID: 21859740; internal data). This suggests that this is a clinically significant region of the protein, and that variants that disrupt it are likely to be disease-causing. For these reasons, this variant has been classified as Pathogenic.

Ambry Genetics
Classification: Pathogenic for Cardiovascular phenotype. Last evaluated: 2025-07-03. Review status: criteria provided, single submitter. Criteria: Ambry Variant Classification Scheme 2023. Collection method: clinical testing. Allele origin: germline.
Comment: The c.7207delG pathogenic mutation, located in coding exon 24 of the DSP gene, results from a deletion of one nucleotide at nucleotide position 7207, causing a translational frameshift with a predicted alternate stop codon (p.E2403Rfs*27). This alteration occurs at the 3' terminus of theDSP gene, is not expected to trigger nonsense-mediated mRNA decay, and impacts the last 16% of the protein. However, premature stop codons are typically deleterious in nature and the impacted region is critical for protein function (Ambry internal data). Alterations in DSP that result in haploinsufficiency or protein truncation have been reported in patients with arrhythmogenic right ventricular cardiomyopathy (ARVC) and dilated cardiomyopathy (DCM) (Fressart V et al. Europace. 2010;12(6):861-8; Elliott P et al. Circ Cardiovasc Genet. 2010;3(4):314-22; Quarta G et al. Circulation. 2011;123(23):2701-9; Garcia-Pavia P et al. Heart. 2011;97(21):1744-52; Rasmussen TB et al. Clin Genet. 2013;84(1):20-30; Pugh TJ et al. Genet Med. 2014;16(8):601-8). This variant is considered to be rare based on population cohorts in the Genome Aggregation Database (gnomAD). Based on the supporting evidence, this variant is interpreted as a disease-causing mutation.

Literature cited by the submitters: PubMed 21859740 (cited by Labcorp Genetics (formerly Invitae), Labcorp).

NM_004415.4(DSP):c.7207del (p.Glu2403fs)

Gene: DSP (desmoplakin; plus strand). Cytogenetic location: 6p24.3.
Variant type: Deletion.
Coding change: c.7207del on transcript NM_004415.4 (MANE Select); coding-DNA position 7207, one base deleted (G; older notation c.7207delG).
Protein change: p.Glu2403fs; shifts the reading frame from glutamic acid 2403.
Molecular consequence: frameshift variant.
Genome position (GRCh38, 1-based): chr6:7,584,469, G deleted. VCF-style (leftmost placement, unchanged base first): chr6-7584468-TG-T. GRCh37 (hg19) VCF-style: chr6-7584701-TG-T.
Other names: c.5410del, p.Glu1804fs (NM_001008844.3); c.5878del, p.Glu1960fs (NM_001319034.2); short protein forms E1960fs, E2403fs, E1804fs.
Identifiers: ClinVar variation 4245105 (VCV004245105.2).